The following is an entry in ClinVar:

ClinVar aggregate classification (germline): Benign (1 of 4 stars; one submission).

Submission:

CeGaT Center for Human Genetics Tuebingen
Classification: Benign. Last evaluated: 2025-01-01. Review status: criteria provided, single submitter. Criteria: CeGaT Center For Human Genetics Tuebingen Variant Classification Criteria Version 2. Collection method: clinical testing. Allele origin: germline. Affected: yes. Observed: 2 variant alleles.
Comment: KCNQ1OT1: BS1, BS2

NM_000218.3(KCNQ1):c.1394-29767_1394-29758del

Genes: KCNQ1 (potassium voltage-gated channel subfamily Q member 1; plus strand), KCNQ1OT1 (KCNQ1 opposite strand/antisense transcript 1; minus strand). Cytogenetic location: 11p15.5.
Variant type: Deletion.
Coding change: c.1394-29767_1394-29758del on transcript NM_000218.3 (MANE Select); 29767 bases into the intron before coding-DNA position 1394 through 29758 bases into the intron before coding-DNA position 1394, 10 bases deleted (AAAAAAAAAA; older notation c.1394-29767_1394-29758delAAAAAAAAAA).
Molecular consequence: intron variant. On other transcripts: non-coding transcript variant (1).
Genome position (GRCh38, 1-based): chr11:2,632,194-2,632,203, AAAAAAAAAA deleted; deleting any 10 consecutive bases within chr11:2,632,183-2,632,203 gives the same sequence; the c. name uses the placement nearest the transcript's 3' end. VCF-style (leftmost placement, unchanged base first): chr11-2632182-CAAAAAAAAAA-C. GRCh37 (hg19) VCF-style: chr11-2653412-CAAAAAAAAAA-C.
Other names: c.1124-29767_1124-29758del (NM_001406837.1); c.1298-29767_1298-29758del (NM_001406836.1); c.854-29767_854-29758del (NM_001406838.1); c.1013-29767_1013-29758del (NM_181798.2).
Identifiers: ClinVar variation 3026362 (VCV003026362.22), dbSNP rs34998500, ClinGen allele CA675035561.